The following is an entry in ClinVar:

NM_130468.4(CHST14):c.730del (p.Arg244fs)

Gene: CHST14 (carbohydrate sulfotransferase 14; plus strand). Cytogenetic location: 15q15.1.
Variant type: Deletion.
Coding change: c.730del on transcript NM_130468.4 (MANE Select); coding-DNA position 730, one base deleted (C; older notation c.730delC).
Protein change: p.Arg244fs; shifts the reading frame from arginine 244.
Molecular consequence: frameshift variant.
Genome position (GRCh38, 1-based): chr15:40,471,943, C deleted. VCF-style (leftmost placement, unchanged base first): chr15-40471942-GC-G. GRCh37 (hg19) VCF-style: chr15-40764141-GC-G.
Other names: short protein forms R244fs.
Identifiers: ClinVar variation 4797381 (VCV004797381.1).
Genomic context (GRCh38, chr15:40,471,942, plus strand): 5'-CCGCAACAAGTTTGGCGAGATCCGAGAGTACCAGCAACGCTATGGGGCTGAGATAGTGAG[GC>G]GGTACAGGGCTGGAGCGGGGCCCAGCCCTGCAGGCGACGATGTCACATTCCCCGAGTTCC-3'

ClinVar aggregate classification (germline): Pathogenic (1 of 4 stars; one submission).

Conditions:
Ehlers-Danlos syndrome, musculocontractural type (EDSMC). Also called: ADDUCTED THUMB-CLUBFOOT SYNDROME; Adducted thumb, clubfoot, progressive joint and skin laxity syndrome; DUNDAR SYNDROME; ARTHROGRYPOSIS, DISTAL, WITH PECULIAR FACIES AND HYDRONEPHROSIS. Identifiers: Orphanet 2953, MedGen C1866294, MONDO:0011142.

Submission:

Labcorp Genetics (formerly Invitae), Labcorp
Classification: Pathogenic for Ehlers-Danlos syndrome, musculocontractural type. Last evaluated: 2025-05-30. Review status: criteria provided, single submitter. Criteria: Invitae Variant Classification Sherloc (09022015). Collection method: clinical testing. Allele origin: germline.
Comment: This sequence change creates a premature translational stop signal (p.Arg244Glyfs*21) in the CHST14 gene. While this is not anticipated to result in nonsense mediated decay, it is expected to disrupt the last 133 amino acid(s) of the CHST14 protein. This variant is present in population databases (rs771423746, gnomAD 0.0009%). This variant has not been reported in the literature in individuals affected with CHST14-related conditions. This variant disrupts a region of the CHST14 protein in which other variant(s) (p.Tyr293Cys) have been determined to be pathogenic (PMID: 10766984, 20004762, 20533528, 21744491). This suggests that this is a clinically significant region of the protein, and that variants that disrupt it are likely to be disease-causing. For these reasons, this variant has been classified as Pathogenic.

Literature cited by the submitters: PubMed 10766984; PubMed 20004762; PubMed 20533528; PubMed 21744491.